The following is an entry in ClinVar:

ClinVar aggregate classification (germline): Uncertain significance (1 of 4 stars; one submission).

Submission:

Labcorp Genetics (formerly Invitae), Labcorp
Classification: Uncertain significance. Last evaluated: 2025-01-01. Review status: criteria provided, single submitter. Criteria: Invitae Variant Classification Sherloc (09022015). Collection method: clinical testing. Allele origin: germline.
Comment: This sequence change replaces valine, which is neutral and non-polar, with isoleucine, which is neutral and non-polar, at codon 103 of the RPL9 protein (p.Val103Ile). This variant is not present in population databases (gnomAD no frequency). This variant has not been reported in the literature in individuals affected with RPL9-related conditions. An algorithm developed to predict the effect of missense changes on protein structure and function (PolyPhen-2) suggests that this variant is likely to be tolerated. In summary, the available evidence is currently insufficient to determine the role of this variant in disease. Therefore, it has been classified as a Variant of Uncertain Significance.

NM_000661.5(RPL9):c.307G>A (p.Val103Ile)

Gene: RPL9 (ribosomal protein L9; minus strand). Cytogenetic location: 4p14.
Variant type: single nucleotide variant.
Coding change: c.307G>A on transcript NM_000661.5 (MANE Select); coding-DNA position 307, G replaced by A.
Protein change: p.Val103Ile; replaces valine 103 with isoleucine.
Molecular consequence: missense variant.
Genome position (GRCh38, 1-based): chr4:39,456,490, C>T on the plus strand (G>A on the coding strand, the complement: RPL9 is on the minus strand). VCF-style: chr4-39456490-C-T. GRCh37 (hg19) VCF-style: chr4-39458110-C-T.
Other names: c.307G>A, p.Val103Ile (NM_001024921.4); short protein forms V103I.
Identifiers: ClinVar variation 3704052 (VCV003704052.2).